The following is an entry in ClinVar:

NM_017999.5(RNF31):c.5C>T (p.Pro2Leu)

Genes: RNF31 (ring finger protein 31; plus strand), LOC121468009 (Sharpr-MPRA regulatory region 11827; plus strand). Cytogenetic location: 14q12.
Variant type: single nucleotide variant.
Coding change: c.5C>T on transcript NM_017999.5 (MANE Select); coding-DNA position 5, C replaced by T.
Protein change: p.Pro2Leu; replaces proline 2 with leucine.
Molecular consequence: missense variant. On other transcripts: intron variant (1).
Genome position (GRCh38, 1-based): chr14:24,147,703, C>T. VCF-style: chr14-24147703-C-T. GRCh37 (hg19) VCF-style: chr14-24616912-C-T.
Other names: c.-325-273C>T (NM_001310332.2); c.5C>T (NM_017999.4); short protein forms P2L.
Identifiers: ClinVar variation 1447265 (VCV001447265.8), dbSNP rs775635899, ClinGen allele CA7125343.
Genomic context (GRCh38, chr14:24,147,703, plus strand): 5'-GCTGCCCGCGCCGGGTCCTGGCGGGCGGCGAGGCTGGGGCTGACTCCTGCCTCAGGATGC[C>T]GGGGGAGGAAGAGGAGCGGGCCTTCCTGGTGGCCCGCGAGGAGCTGGCGAGCGCCCTGAG-3'
Protein context (NP_060469.4, residues 1-12): M[Pro2Leu]GEEEERAFLV

ClinVar aggregate classification (germline): Uncertain significance. Review status: criteria provided, multiple submitters, no conflicts (2 of 4 stars). 2 submissions from 2 submitters: Uncertain significance (2). Last evaluated 2023-08-28.

Allele frequency attached by ClinVar (database versions not stated): gnomAD exomes 0.00001 and 0.00004; TOPMed 0.00002; gnomAD 0.00003; 1000 Genomes Project 30x 0.00016; ExAC 0.00022.
gnomAD v4.1: 13 of 1,513,156 alleles (0.00086%); highest among the groups gnomAD compares: East Asian, 0.022%; no homozygotes.

Submissions (2):

Labcorp Genetics (formerly Invitae), Labcorp
Classification: Uncertain significance. Last evaluated: 2023-08-28. Review status: criteria provided, single submitter. Criteria: Invitae Variant Classification Sherloc (09022015). Collection method: clinical testing. Allele origin: germline.
Comment: In summary, the available evidence is currently insufficient to determine the role of this variant in disease. Therefore, it has been classified as a Variant of Uncertain Significance. An algorithm developed to predict the effect of missense changes on protein structure and function (PolyPhen-2) suggests that this variant is likely to be disruptive. ClinVar contains an entry for this variant (Variation ID: 1447265). This variant has not been reported in the literature in individuals affected with RNF31-related conditions. The frequency data for this variant in the population databases is considered unreliable, as metrics indicate poor data quality at this position in the gnomAD database. This sequence change replaces proline, which is neutral and non-polar, with leucine, which is neutral and non-polar, at codon 2 of the RNF31 protein (p.Pro2Leu).

Ambry Genetics
Classification: Uncertain significance. Last evaluated: 2023-02-07. Review status: criteria provided, single submitter. Criteria: Ambry Variant Classification Scheme 2023. Collection method: clinical testing. Allele origin: germline.